The following is an entry in ClinVar:

NM_020738.4(KIDINS220):c.3012-6145A>G

Gene: KIDINS220 (kinase D interacting substrate 220; minus strand). Cytogenetic location: 2p25.1.
Variant type: single nucleotide variant.
Coding change: c.3012-6145A>G on transcript NM_020738.4 (MANE Select); 6145 bases into the intron before coding-DNA position 3012, A replaced by G.
Molecular consequence: intron variant. On other transcripts: splice acceptor variant (1).
Genome position (GRCh38, 1-based): chr2:8,757,789, T>C on the plus strand (A>G on the coding strand, the complement: KIDINS220 is on the minus strand). VCF-style: chr2-8757789-T-C. GRCh37 (hg19) VCF-style: chr2-8897919-T-C.
Other names: c.3012-6145A>G (NM_001348741.2, NM_001348738.2, NM_001348742.2 and 3 more transcripts); c.3015-6145A>G (NM_001348739.2, NM_001348740.2, NM_001348734.2 and 2 more transcripts); c.2886-6145A>G (NM_001348736.2); c.3015-2A>G (NM_001348745.2).
Identifiers: ClinVar variation 2634439 (VCV002634439.2), dbSNP rs767515005, ClinGen allele CA1519822.

ClinVar aggregate classification (germline): Likely benign (0 of 4 stars; one submission).

Conditions:
KIDINS220-related disorder. Also called: KIDINS220-related condition.

Allele frequency attached by ClinVar (database versions not stated): ExAC 0.00001; gnomAD 0.00009; TOPMed 0.00010; gnomAD exomes 0.00016.
gnomAD v4.1: 247 of 1,606,174 alleles (0.015%); highest among the groups gnomAD compares: Non-Finnish European, 0.02%; 1 homozygote.

Submission:

PreventionGenetics, part of Exact Sciences
Classification: Likely benign for KIDINS220-related condition. Last evaluated: 2024-03-26. Review status: no assertion criteria provided. Collection method: clinical testing. Allele origin: germline.
Comment: This variant is classified as likely benign based on ACMG/AMP sequence variant interpretation guidelines (Richards et al. 2015 PMID: 25741868, with internal and published modifications).